The following is an entry in ClinVar:

NM_017654.4(SAMD9):c.4760A>G (p.Glu1587Gly)

Gene: SAMD9 (sterile alpha motif domain containing 9; minus strand). Cytogenetic location: 7q21.2.
Variant type: single nucleotide variant.
Coding change: c.4760A>G on transcript NM_017654.4 (MANE Select); coding-DNA position 4760, A replaced by G.
Protein change: p.Glu1587Gly; replaces glutamic acid 1587 with glycine.
Molecular consequence: missense variant.
Genome position (GRCh38, 1-based): chr7:93,101,338, T>C on the plus strand (A>G on the coding strand, the complement: SAMD9 is on the minus strand). VCF-style: chr7-93101338-T-C. GRCh37 (hg19) VCF-style: chr7-92730651-T-C.
Other names: c.4760A>G, p.Glu1587Gly (NM_001193307.2); short protein forms E1587G.
Identifiers: ClinVar variation 4863756 (VCV004863756.1).

ClinVar aggregate classification (germline): Uncertain significance (1 of 4 stars; one submission).

Conditions:
Inborn genetic diseases. Identifiers: MedGen C0950123, MeSH D030342.

Submission:

Ambry Genetics
Classification: Uncertain significance for Inborn genetic diseases. Last evaluated: 2026-03-15. Review status: criteria provided, single submitter. Criteria: Ambry Variant Classification Scheme 2023. Collection method: clinical testing. Allele origin: germline.
Comment: The p.E1587G variant (also known as c.4760A>G), located in coding exon 1 of the SAMD9 gene, results from an A to G substitution at nucleotide position 4760. The glutamic acid at codon 1587 is replaced by glycine, an amino acid with similar properties. This amino acid position is conserved. In addition, this alteration is predicted to be tolerated by in silico analysis. Based on the available evidence, the clinical significance of this variant remains unclear.